The following is an entry in ClinVar:

ClinVar aggregate classification (germline): Conflicting classifications of pathogenicity. Review status: criteria provided, conflicting classifications (1 of 4 stars). 4 submissions from 4 submitters: Uncertain significance (2); Benign (1); Likely benign (1). Last evaluated 2026-03-06.

Conditions:
Retinoblastoma (RB1). Also called: RETINOBLASTOMA, SOMATIC. Identifiers: Orphanet 790, MedGen C0035335, MeSH D012175, MONDO:0008380, OMIM 180200, HP:0009919. Disease mechanism: loss of function. Inheritance: Both sporadic and heritable forms are tested..
Hereditary cancer-predisposing syndrome. Also called: Neoplastic Syndromes, Hereditary; Hereditary neoplastic syndrome; Tumor predisposition; Hereditary Cancer Syndrome. Identifiers: Orphanet 140162, MedGen C0027672, MeSH D009386, MONDO:0015356.
Malignant tumor of urinary bladder. Also called: Urinary Bladder Neoplasms; Bladder cancer; Urinary bladder cancer. Identifiers: MedGen C0005684, MONDO:0001187, OMIM 109800.

Allele frequency attached by ClinVar (database versions not stated): gnomAD exomes below 0.00001; TOPMed below 0.00001; gnomAD 0.00001.
gnomAD v4.1: 3 of 1,613,420 alleles (0.00019%); highest among the groups gnomAD compares: Non-Finnish European, 0.00025%; no homozygotes.

Submissions (4):

Ambry Genetics
Classification: Benign for Hereditary cancer-predisposing syndrome. Last evaluated: 2026-03-06. Review status: criteria provided, single submitter. Criteria: Ambry Variant Classification Scheme 2023. Collection method: clinical testing. Allele origin: germline.

Labcorp Genetics (formerly Invitae), Labcorp
Classification: Likely benign for Retinoblastoma. Last evaluated: 2026-01-11. Review status: criteria provided, single submitter. Criteria: Invitae Variant Classification Sherloc (09022015). Collection method: clinical testing. Allele origin: germline.

Baylor Genetics
Classification: Uncertain significance for Malignant tumor of urinary bladder. Last evaluated: 2024-01-12. Review status: criteria provided, single submitter. Criteria: ACMG Guidelines, 2015. Collection method: clinical testing. Allele origin: unknown.

Color Diagnostics, LLC DBA Color Health
Classification: Uncertain significance for Retinoblastoma. Last evaluated: 2023-11-30. Review status: criteria provided, single submitter. Criteria: ACMG Guidelines, 2015. Collection method: clinical testing. Allele origin: germline.
Comment: This missense variant replaces serine with threonine at codon 794 of the RB1 protein. Computational prediction suggests that this variant may not impact protein structure and function. To our knowledge, functional studies have not been reported for this variant. This variant has not been reported in individuals affected with RB1-related disorders in the literature. This variant has been identified in 1/251430 chromosomes in the general population by the Genome Aggregation Database (gnomAD). The available evidence is insufficient to determine the role of this variant in disease conclusively. Therefore, this variant is classified as a Variant of Uncertain Significance.

NM_000321.3(RB1):c.2381G>C (p.Ser794Thr)

Gene: RB1 (RB transcriptional corepressor 1; plus strand). Cytogenetic location: 13q14.2.
Variant type: single nucleotide variant.
Coding change: c.2381G>C on transcript NM_000321.3 (MANE Select); coding-DNA position 2381, G replaced by C.
Protein change: p.Ser794Thr; replaces serine 794 with threonine.
Molecular consequence: missense variant.
Genome position (GRCh38, 1-based): chr13:48,465,260, G>C. VCF-style: chr13-48465260-G-C. GRCh37 (hg19) VCF-style: chr13-49039396-G-C.
Other names: short protein forms S794T.
Identifiers: ClinVar variation 641763 (VCV000641763.14), dbSNP rs1240896329, ClinGen allele CA388167861.